The following is an entry in ClinVar:

ClinVar aggregate classification (germline): Uncertain significance (1 of 4 stars; one submission).

Allele frequency attached by ClinVar (database versions not stated): ExAC 0.00002; gnomAD 0.00002; gnomAD exomes 0.00002; TOPMed 0.00002.

Submission:

Ambry Genetics
Classification: Uncertain significance. Last evaluated: 2023-01-09. Review status: criteria provided, single submitter. Criteria: Ambry Variant Classification Scheme 2023. Collection method: clinical testing. Allele origin: germline.
Comment: The p.M1398V variant (also known as c.4192A>G), located in coding exon 16 of the POLQ gene, results from an A to G substitution at nucleotide position 4192. The methionine at codon 1398 is replaced by valine, an amino acid with highly similar properties. This amino acid position is conserved. In addition, this alteration is predicted to be tolerated by in silico analysis. Since supporting evidence is limited at this time, the clinical significance of this alteration remains unclear.

NM_199420.4(POLQ):c.4192A>G (p.Met1398Val)

Gene: POLQ (DNA polymerase theta; minus strand). Cytogenetic location: 3q13.33.
Variant type: single nucleotide variant.
Coding change: c.4192A>G on transcript NM_199420.4 (MANE Select); coding-DNA position 4192, A replaced by G.
Protein change: p.Met1398Val; replaces methionine 1398 with valine.
Molecular consequence: missense variant.
Genome position (GRCh38, 1-based): chr3:121,488,739, T>C on the plus strand (A>G on the coding strand, the complement: POLQ is on the minus strand). VCF-style: chr3-121488739-T-C. GRCh37 (hg19) VCF-style: chr3-121207586-T-C.
Other names: short protein forms M1398V.
Identifiers: ClinVar variation 2449087 (VCV002449087.2), dbSNP rs770129573, ClinGen allele CA2562940.